The following is an entry in ClinVar:

NM_020975.6(RET):c.2459G>T (p.Arg820Leu)

Gene: RET (ret proto-oncogene; plus strand). Cytogenetic location: 10q11.21.
Variant type: single nucleotide variant.
Coding change: c.2459G>T on transcript NM_020975.6 (MANE Select); coding-DNA position 2459, G replaced by T.
Protein change: p.Arg820Leu; replaces arginine 820 with leucine.
Molecular consequence: missense variant.
Genome position (GRCh38, 1-based): chr10:43,119,597, G>T. VCF-style: chr10-43119597-G-T. GRCh37 (hg19) VCF-style: chr10-43615045-G-T.
Other names: c.2171G>T, p.Arg724Leu (NM_001406770.1, NM_001406766.1, NM_001406767.1); c.2021G>T, p.Arg674Leu (NM_001406771.1, NM_001406773.1); c.2063G>T, p.Arg688Leu (NM_001406772.1, NM_001406769.1); c.1934G>T, p.Arg645Leu (NM_001406774.1); c.1733G>T, p.Arg578Leu (NM_001406775.1, NM_001406776.1, NM_001406777.1 and 1 more transcripts); c.1697G>T, p.Arg566Leu (NM_001355216.2); c.2459G>T, p.Arg820Leu (NM_001406743.1, NM_001406744.1, NM_001406759.1 and 2 more transcripts); c.1274G>T, p.Arg425Leu (NM_001406789.1, NM_001406790.1, NM_001406788.1); and 10 more; short protein forms R481L, R645L, R337L, R385L, R476L, R566L, R674L, R775L.
Identifiers: ClinVar variation 5028178 (VCV005028178.1).

ClinVar aggregate classification (germline): Uncertain significance (1 of 4 stars; one submission).

Conditions:
Hereditary cancer-predisposing syndrome. Also called: Neoplastic Syndromes, Hereditary; Tumor predisposition; Hereditary neoplastic syndrome; Hereditary Cancer Syndrome. Identifiers: Orphanet 140162, MedGen C0027672, MeSH D009386, MONDO:0015356.

Submission:

Ambry Genetics
Classification: Uncertain significance for Hereditary cancer-predisposing syndrome. Last evaluated: 2026-07-07. Review status: criteria provided, single submitter. Criteria: Ambry Variant Classification Scheme 2023. Collection method: clinical testing. Allele origin: germline.
Comment: The p.R820L variant (also known as c.2459G>T), located in coding exon 14 of the RET gene, results from a G to T substitution at nucleotide position 2459. The arginine at codon 820 is replaced by leucine, an amino acid with dissimilar properties. This amino acid position is conserved. In addition, this alteration is predicted to be deleterious by in silico analysis. Based on the available evidence, the clinical significance of this variant remains unclear.